The following is an entry in ClinVar:

ClinVar aggregate classification (germline): Uncertain significance (1 of 4 stars; one submission).

Conditions:
SHOX-related short stature. Also called: SHORT STATURE, IDIOPATHIC, X-LINKED. Identifiers: Orphanet 314795, MedGen C1845118, MONDO:0010367, OMIM 300582. Disease mechanism: loss of function.
Leri-Weill dyschondrosteosis (LWD). Also called: Léri-Weill dyschondrosteosis; Leri-Weill Dyschondrosteosis (LWD); DYSCHONDROSTEOSIS. Identifiers: Orphanet 240, MedGen C0265309, MONDO:0007481, OMIM 127300.
Langer mesomelic dysplasia syndrome (LMD). Also called: Langer mesomelic dysplasia; DYSCHONDROSTEOSIS, HOMOZYGOUS. Identifiers: Orphanet 2632, MedGen C0432230, MONDO:0009588, OMIM 249700.

Submission:

Juno Genomics, Hangzhou Juno Genomics, Inc
Classification: Uncertain significance for Langer mesomelic dysplasia syndrome; Leri-Weill dyschondrosteosis; SHOX-related short stature. Review status: criteria provided, single submitter. Criteria: ACMG Guidelines, 2015. Collection method: clinical testing. Allele origin: germline.
Comment: Absent from controls (or at extremely low frequency if recessive) in Genome Aggregation Database.

NM_000451.4(SHOX):c.869T>C (p.Leu290Pro)

Gene: SHOX (SHOX homeobox; plus strand). Cytogenetic location: Xp22.33.
Variant type: single nucleotide variant.
Coding change: c.869T>C on transcript NM_000451.4 (MANE Select); coding-DNA position 869, T replaced by C.
Protein change: p.Leu290Pro; replaces leucine 290 with proline.
Molecular consequence: missense variant. On other transcripts: intron variant (1).
Genome position (GRCh38, 1-based): chrX:644,626, T>C. VCF-style: chrX-644626-T-C. GRCh37 (hg19) VCF-style: chrX-605361-T-C.
Other names: c.633+3539T>C (NM_006883.2); short protein forms L290P.
Identifiers: ClinVar variation 5007586 (VCV005007586.2).